The following is an entry in ClinVar:

ClinVar aggregate classification (germline): Likely benign. Review status: criteria provided, single submitter (1 of 4 stars). 2 submissions from 2 submitters: Likely benign (1). 1 of the submissions does not count toward it. Last evaluated 2025-12-08.

Conditions:
CRB2-related disorder. Also called: CRB2-related disorders; CRB2-related condition.

Allele frequency attached by ClinVar (database versions not stated): gnomAD exomes 0.00028 and 0.00068; 1000 Genomes Project 30x 0.00031; TOPMed 0.00050; gnomAD 0.00057 and 0.00058; ExAC 0.00078.
gnomAD v4.1: 519 of 1,575,156 alleles (0.033%); highest among the groups gnomAD compares: Admixed American, 0.064%; 1 homozygote.

Submissions (2):

Labcorp Genetics (formerly Invitae), Labcorp
Classification: Likely benign. Last evaluated: 2025-12-08. Review status: criteria provided, single submitter. Criteria: Invitae Variant Classification Sherloc (09022015). Collection method: clinical testing. Allele origin: germline.

PreventionGenetics, part of Exact Sciences
Classification: Benign for CRB2-related condition. Last evaluated: 2019-09-19. Review status: no assertion criteria provided. Collection method: clinical testing. Allele origin: germline. Not counted in ClinVar's aggregate classification.
Comment: This variant is classified as benign based on ACMG/AMP sequence variant interpretation guidelines (Richards et al. 2015 PMID: 25741868, with internal and published modifications).

NM_173689.7(CRB2):c.3296A>T (p.His1099Leu)

Gene: CRB2 (crumbs cell polarity complex component 2; plus strand). Cytogenetic location: 9q33.3.
Variant type: single nucleotide variant.
Coding change: c.3296A>T on transcript NM_173689.7 (MANE Select); coding-DNA position 3296, A replaced by T.
Protein change: p.His1099Leu; replaces histidine 1099 with leucine.
Molecular consequence: missense variant. On other transcripts: non-coding transcript variant (1).
Genome position (GRCh38, 1-based): chr9:123,373,827, A>T. VCF-style: chr9-123373827-A-T. GRCh37 (hg19) VCF-style: chr9-126136106-A-T.
Other names: short protein forms H1099L.
Identifiers: ClinVar variation 725233 (VCV000725233.13), dbSNP rs748885642, ClinGen allele CA5232409.
Genomic context (GRCh38, chr9:123,373,827, plus strand): 5'-CCTGCGCCTGCGGCCCGGGGTGGGAAGGCCCGCGCTGCGAAGCCCACGTCGACCCCTGTC[A>T]CTCCGCCCCCTGCGCCCGTGGCCGCTGTCACACGCACCCCGACGGCCGCTTCGAGTGCCG-3'
Protein context (NP_775960.4, residues 1089-1109): PRCEAHVDPC[His1099Leu]SAPCARGRCH